The following is an entry in ClinVar:

NM_006231.4(POLE):c.4960C>G (p.His1654Asp)

Gene: POLE (DNA polymerase epsilon, catalytic subunit; minus strand). Cytogenetic location: 12q24.33.
Variant type: single nucleotide variant.
Coding change: c.4960C>G on transcript NM_006231.4 (MANE Select); coding-DNA position 4960, C replaced by G.
Protein change: p.His1654Asp; replaces histidine 1654 with aspartic acid.
Molecular consequence: missense variant.
Genome position (GRCh38, 1-based): chr12:132,642,390, G>C on the plus strand (C>G on the coding strand, the complement: POLE is on the minus strand). VCF-style: chr12-132642390-G-C. GRCh37 (hg19) VCF-style: chr12-133218976-G-C.
Other names: short protein forms H1654D.
Identifiers: ClinVar variation 3719556 (VCV003719556.2).

ClinVar aggregate classification (germline): Uncertain significance (1 of 4 stars; one submission).

Submission:

Labcorp Genetics (formerly Invitae), Labcorp
Classification: Uncertain significance. Last evaluated: 2025-01-08. Review status: criteria provided, single submitter. Criteria: Invitae Variant Classification Sherloc (09022015). Collection method: clinical testing. Allele origin: germline.
Comment: This sequence change replaces histidine, which is basic and polar, with aspartic acid, which is acidic and polar, at codon 1654 of the POLE protein (p.His1654Asp). This variant is not present in population databases (gnomAD no frequency). This variant has not been reported in the literature in individuals affected with POLE-related conditions. Invitae Evidence Modeling of protein sequence and biophysical properties (such as structural, functional, and spatial information, amino acid conservation, physicochemical variation, residue mobility, and thermodynamic stability) indicates that this missense variant is not expected to disrupt POLE protein function with a negative predictive value of 80%. In summary, the available evidence is currently insufficient to determine the role of this variant in disease. Therefore, it has been classified as a Variant of Uncertain Significance.